The following is an entry in ClinVar:

ClinVar aggregate classification (germline): Uncertain significance. Review status: criteria provided, multiple submitters, no conflicts (2 of 4 stars). 2 submissions from 2 submitters: Uncertain significance (2). Last evaluated 2024-03-28.

Conditions:
Hypertrophic cardiomyopathy 10. Also called: CARDIOMYOPATHY, HYPERTROPHIC, MID-LEFT VENTRICULAR CHAMBER TYPE, 2; MYL2-Related Familial Hypertrophic Cardiomyopathy. Identifiers: MedGen C1834460, MONDO:0012112, OMIM 608758.
Hypertrophic cardiomyopathy. Also called: HYPERTROPHIC MYOCARDIOPATHY. Identifiers: Orphanet 217569, MedGen C0007194, MeSH D002312, MONDO:0005045, HP:0001639.

Submissions (2):

All of Us Research Program, National Institutes of Health
Classification: Uncertain significance for Hypertrophic cardiomyopathy. Last evaluated: 2024-03-28. Review status: criteria provided, single submitter. Criteria: ACMG Guidelines, 2015. Collection method: clinical testing. Allele origin: germline. Inheritance: Autosomal dominant inheritance. Observed: 1 variant allele, 1 heterozygote.
Comment: This study involves interpretation of variants in research participants for the purpose of population health screening. Participant phenotype was not available at the time of variant classification. Additional details can be found in publication PMID: 35346344, PMCID: PMC8962531

Labcorp Genetics (formerly Invitae), Labcorp
Classification: Uncertain significance for Hypertrophic cardiomyopathy 10. Last evaluated: 2024-02-23. Review status: criteria provided, single submitter. Criteria: Invitae Variant Classification Sherloc (09022015). Collection method: clinical testing. Allele origin: germline.
Comment: This sequence change creates a premature translational stop signal (p.Val113Cysfs*2) in the MYL2 gene. It is expected to result in an absent or disrupted protein product. However, the current clinical and genetic evidence is not sufficient to establish whether loss-of-function variants in MYL2 cause disease. This variant is not present in population databases (gnomAD no frequency). This variant has not been reported in the literature in individuals affected with MYL2-related conditions. In summary, the available evidence is currently insufficient to determine the role of this variant in disease. Therefore, it has been classified as a Variant of Uncertain Significance.

NM_000432.4(MYL2):c.333del (p.Val113fs)

Gene: MYL2 (myosin light chain 2; minus strand). Cytogenetic location: 12q24.11.
Variant type: Deletion.
Coding change: c.333del on transcript NM_000432.4 (MANE Select); coding-DNA position 333, one base deleted (A; older notation c.333delA).
Protein change: p.Val113fs; shifts the reading frame from valine 113.
Molecular consequence: frameshift variant.
Genome position (GRCh38, 1-based): chr12:110,913,266, T deleted on the plus strand (A on the coding strand, the reverse complement: MYL2 is on the minus strand); the first of 3 consecutive T bases (chr12:110,913,266-110,913,268); deleting any one gives the same sequence. VCF-style (leftmost placement, unchanged base first): chr12-110913265-CT-C. GRCh37 (hg19) VCF-style: chr12-111351069-CT-C.
Other names: c.291del, p.Val99fs (NM_001406745.1); c.276del, p.Val94fs (NM_001406916.1); short protein forms V113fs, V94fs, V99fs.
Identifiers: ClinVar variation 3387372 (VCV003387372.3).